The following is an entry in ClinVar:

NM_001854.4(COL11A1):c.1541C>T (p.Ala514Val)

Gene: COL11A1 (collagen type XI alpha 1 chain; minus strand). Cytogenetic location: 1p21.1.
Variant type: single nucleotide variant.
Coding change: c.1541C>T on transcript NM_001854.4 (MANE Select); coding-DNA position 1541, C replaced by T.
Protein change: p.Ala514Val; replaces alanine 514 with valine.
Molecular consequence: missense variant. On other transcripts: non-coding transcript variant (1).
Genome position (GRCh38, 1-based): chr1:103,014,542, G>A on the plus strand (C>T on the coding strand, the complement: COL11A1 is on the minus strand). VCF-style: chr1-103014542-G-A. GRCh37 (hg19) VCF-style: chr1-103480098-G-A.
Other names: c.1424C>T, p.Ala475Val (NM_001190709.2); c.1577C>T, p.Ala526Val (NM_080629.3); c.1193C>T, p.Ala398Val (NM_080630.4); c.1541C>T (NM_001854.3); short protein forms A514V, A526V, A475V, A398V.
Identifiers: ClinVar variation 1353876 (VCV001353876.7), dbSNP rs374636016, ClinGen allele CA27739890.

ClinVar aggregate classification (germline): Conflicting classifications of pathogenicity. Review status: criteria provided, conflicting classifications (1 of 4 stars). 2 submissions from 2 submitters: Uncertain significance (1); Likely benign (1). Last evaluated 2025-08-24.

Conditions:
COL11A1-related disorder. Also called: COL11A1-related disorders; COL11A1-related condition.

Allele frequency attached by ClinVar (database versions not stated): gnomAD exomes below 0.00001 and 0.00001; gnomAD 0.00001; TOPMed 0.00001; ESP Exome Variant Server 0.00008.
gnomAD v4.1: 10 of 1,613,650 alleles (0.00062%); highest among the groups gnomAD compares: Admixed American, 0.0017%; no homozygotes.

Submissions (2):

Labcorp Genetics (formerly Invitae), Labcorp
Classification: Likely benign. Last evaluated: 2025-08-24. Review status: criteria provided, single submitter. Criteria: Invitae Variant Classification Sherloc (09022015). Collection method: clinical testing. Allele origin: germline.

PreventionGenetics, part of Exact Sciences
Classification: Uncertain significance for COL11A1-related condition. Last evaluated: 2025-06-02. Review status: criteria provided, single submitter. Criteria: ACMG Guidelines, 2015. Collection method: clinical testing. Allele origin: germline.
Comment: The COL11A1 c.1541C>T variant is predicted to result in the amino acid substitution p.Ala514Val. To our knowledge, this variant has not been reported in the literature. This variant is reported in 0.0029% of alleles in individuals of Latino descent in gnomAD. At this time, the clinical significance of this variant is uncertain due to the absence of conclusive functional and genetic evidence.